The following is an entry in ClinVar:

ClinVar aggregate classification (germline): Uncertain significance (1 of 4 stars; one submission).

Conditions:
Familial cancer of breast. Also called: BREAST CANCER, FAMILIAL; hereditary breast carcinoma; Hereditary breast cancer. Identifiers: Orphanet 227535, MedGen C0346153, MONDO:0016419, OMIM 114480. Disease mechanism: loss of function.

Submission:

Labcorp Genetics (formerly Invitae), Labcorp
Classification: Uncertain significance for Familial cancer of breast. Last evaluated: 2023-10-29. Review status: criteria provided, single submitter. Criteria: Invitae Variant Classification Sherloc (09022015). Collection method: clinical testing. Allele origin: germline.
Comment: This sequence change replaces arginine, which is basic and polar, with lysine, which is basic and polar, at codon 132 of the CHEK2 protein (p.Arg132Lys). This variant is not present in population databases (gnomAD no frequency). This missense change has been observed in individual(s) with breast cancer (PMID: 16551709). This variant is also known as c.524G>A (p.Arg175Lys). ClinVar contains an entry for this variant (Variation ID: 460830). Algorithms developed to predict the effect of missense changes on protein structure and function output the following: SIFT: "Not Available"; PolyPhen-2: "Benign"; Align-GVGD: "Not Available". The lysine amino acid residue is found in multiple mammalian species, which suggests that this missense change does not adversely affect protein function. In summary, the available evidence is currently insufficient to determine the role of this variant in disease. Therefore, it has been classified as a Variant of Uncertain Significance.

Literature cited by the submitters: PubMed 16551709.

NM_007194.4(CHEK2):c.395G>A (p.Arg132Lys)

Gene: CHEK2 (checkpoint kinase 2; minus strand). Cytogenetic location: 22q12.1.
Variant type: single nucleotide variant.
Coding change: c.395G>A on transcript NM_007194.4 (MANE Select); coding-DNA position 395, G replaced by A.
Protein change: p.Arg132Lys; replaces arginine 132 with lysine.
Molecular consequence: missense variant.
Genome position (GRCh38, 1-based): chr22:28,725,292, C>T on the plus strand (G>A on the coding strand, the complement: CHEK2 is on the minus strand). VCF-style: chr22-28725292-C-T. GRCh37 (hg19) VCF-style: chr22-29121280-C-T.
Other names: c.524G>A, p.Arg175Lys (NM_001005735.3); c.-383G>A (NM_001257387.3); c.395G>A, p.Arg132Lys (NM_001349956.3, NM_145862.3); short protein forms R132K, R175K.
Identifiers: ClinVar variation 460830 (VCV000460830.9), dbSNP rs750393263, ClinGen allele CA411108029.
Genomic context (GRCh38, chr22:28,725,292, plus strand): 5'-TCATTACCTACCCTGAAAATCCGAAAGTGTTTCTTGCTGTATGTTCGGTATTTATCTGTT[C>T]TTTTCAGCAGTGGTTCATCAAAGCAATATTCACAGCTTTTGTCCCTCCCAAACCAGTAGT-3'
Protein context (NP_009125.1, residues 122-142): EYCFDEPLLK[Arg132Lys]TDKYRTYSKK